The following is an entry in ClinVar:

NM_015215.4(CAMTA1):c.4511G>T (p.Ser1504Ile)

Gene: CAMTA1 (calmodulin binding transcription activator 1; plus strand). Cytogenetic location: 1p36.23.
Variant type: single nucleotide variant.
Coding change: c.4511G>T on transcript NM_015215.4 (MANE Select); coding-DNA position 4511, G replaced by T.
Protein change: p.Ser1504Ile; replaces serine 1504 with isoleucine.
Molecular consequence: missense variant.
Genome position (GRCh38, 1-based): chr1:7,745,985, G>T. VCF-style: chr1-7745985-G-T. GRCh37 (hg19) VCF-style: chr1-7806045-G-T.
Other names: c.4421G>T, p.Ser1474Ile (NM_001349608.2); c.4172G>T, p.Ser1391Ile (NM_001349609.2, NM_001349610.2, NM_001410737.1); c.4082G>T, p.Ser1361Ile (NM_001349612.2); c.1640G>T, p.Ser547Ile (NM_001349613.1); c.1583G>T, p.Ser528Ile (NM_001349614.1, NM_001349615.2, NM_001349616.2 and 2 more transcripts); c.1244G>T, p.Ser415Ile (NM_001349619.2, NM_001349620.1, NM_001349621.1 and 5 more transcripts); c.4100G>T, p.Ser1367Ile (NM_001410738.1); short protein forms S1361I, S1367I, S1391I, S1474I, S1504I, S415I, S528I, S547I.
Identifiers: ClinVar variation 5037270 (VCV005037270.1).

ClinVar aggregate classification (germline): Uncertain significance (1 of 4 stars; one submission).

Submission:

GeneDx
Classification: Uncertain significance. Last evaluated: 2026-04-19. Review status: criteria provided, single submitter. Criteria: GeneDx Variant Classification Process June 2021. Collection method: clinical testing. Allele origin: germline.
Comment: Not observed at significant frequency in large population cohorts (gnomAD); In silico analysis supports that this missense variant has a deleterious effect on protein structure/function; Has not been previously published as pathogenic or benign to our knowledge